The following is an entry in ClinVar:

NM_021942.6(TRAPPC11):c.3062C>T (p.Pro1021Leu)

Gene: TRAPPC11 (trafficking protein particle complex subunit 11; plus strand). Cytogenetic location: 4q35.1.
Variant type: single nucleotide variant.
Coding change: c.3062C>T on transcript NM_021942.6 (MANE Select); coding-DNA position 3062, C replaced by T.
Protein change: p.Pro1021Leu; replaces proline 1021 with leucine.
Molecular consequence: missense variant.
Genome position (GRCh38, 1-based): chr4:183,706,813, C>T. VCF-style: chr4-183706813-C-T. GRCh37 (hg19) VCF-style: chr4-184627966-C-T.
Other names: c.3062C>T, p.Pro1021Leu (NM_199053.3); c.3062C>T (NM_021942.4); short protein forms P1021L.
Identifiers: ClinVar variation 391843 (VCV000391843.14), dbSNP rs371103166, ClinGen allele CA3152431.

ClinVar aggregate classification (germline): Uncertain significance. Review status: criteria provided, multiple submitters, no conflicts (2 of 4 stars). 4 submissions from 4 submitters: Uncertain significance (4). Last evaluated 2024-06-03.

Conditions:
Inborn genetic diseases. Identifiers: MedGen C0950123, MeSH D030342.
Autosomal recessive limb-girdle muscular dystrophy type R18 (LGMDR18). Also called: MUSCULAR DYSTROPHY, LIMB-GIRDLE, AUTOSOMAL RECESSIVE 18; Limb-girdle muscular dystrophy, type 2S; Autosomal recessive limb-girdle muscular dystrophy type 2S. Identifiers: Orphanet 369840, MedGen C4517996, MONDO:0014144, OMIM 615356.

Allele frequency attached by ClinVar (database versions not stated): ExAC 0.00001; gnomAD exomes 0.00001; gnomAD 0.00002 and 0.00003; TOPMed 0.00002; ESP Exome Variant Server 0.00008.
gnomAD v4.1: 16 of 1,612,158 alleles (0.00099%); highest among the groups gnomAD compares: South Asian, 0.0044%; no homozygotes.

Submissions (4):

Revvity Omics, Revvity
Classification: Uncertain significance for Autosomal recessive limb-girdle muscular dystrophy type R18. Last evaluated: 2024-06-03. Review status: criteria provided, single submitter. Criteria: ACMG Guidelines, 2015. Collection method: clinical testing. Allele origin: germline.

Ambry Genetics
Classification: Uncertain significance for Inborn genetic diseases. Last evaluated: 2024-02-05. Review status: criteria provided, single submitter. Criteria: Ambry Variant Classification Scheme 2023. Collection method: clinical testing. Allele origin: germline.

Labcorp Genetics (formerly Invitae), Labcorp
Classification: Uncertain significance for Autosomal recessive limb-girdle muscular dystrophy type R18. Last evaluated: 2024-01-09. Review status: criteria provided, single submitter. Criteria: Invitae Variant Classification Sherloc (09022015). Collection method: clinical testing. Allele origin: germline.
Comment: This sequence change replaces proline, which is neutral and non-polar, with leucine, which is neutral and non-polar, at codon 1021 of the TRAPPC11 protein (p.Pro1021Leu). This variant is present in population databases (rs371103166, gnomAD 0.02%). This variant has not been reported in the literature in individuals affected with TRAPPC11-related conditions. ClinVar contains an entry for this variant (Variation ID: 391843). Advanced modeling of protein sequence and biophysical properties (such as structural, functional, and spatial information, amino acid conservation, physicochemical variation, residue mobility, and thermodynamic stability) performed at Invitae indicates that this missense variant is expected to disrupt TRAPPC11 protein function with a positive predictive value of 80%. In summary, the available evidence is currently insufficient to determine the role of this variant in disease. Therefore, it has been classified as a Variant of Uncertain Significance.

GeneDx
Classification: Uncertain significance. Last evaluated: 2019-05-28. Review status: criteria provided, single submitter. Criteria: GeneDx Variant Classification Process June 2021. Collection method: clinical testing. Allele origin: germline. Affected: yes.
Comment: In silico analysis, which includes protein predictors and evolutionary conservation, supports a deleterious effect; Has not been previously published as pathogenic or benign to our knowledge